The following is an entry in ClinVar:

NM_001330260.2(SCN8A):c.3712G>A (p.Val1238Ile)

Gene: SCN8A (sodium voltage-gated channel alpha subunit 8; plus strand). Cytogenetic location: 12q13.13.
Variant type: single nucleotide variant.
Coding change: c.3712G>A on transcript NM_001330260.2 (MANE Select); coding-DNA position 3712, G replaced by A.
Protein change: p.Val1238Ile; replaces valine 1238 with isoleucine.
Molecular consequence: missense variant.
Genome position (GRCh38, 1-based): chr12:51,774,255, G>A. VCF-style: chr12-51774255-G-A. GRCh37 (hg19) VCF-style: chr12-52168039-G-A.
Other names: c.3712G>A, p.Val1238Ile (NM_001177984.3, NM_001369788.1, NM_014191.4); short protein forms V1238I.
Identifiers: ClinVar variation 1036978 (VCV001036978.9), dbSNP rs1942974112, ClinGen allele CA384899097.

ClinVar aggregate classification (germline): Uncertain significance (1 of 4 stars; one submission).

Conditions:
Early-infantile DEE. Also called: Ohtahara syndrome; Early infantile epileptic encephalopathy; Early infantile epileptic encephalopathy with suppression bursts. Identifiers: Orphanet 1934, MedGen C0393706, MONDO:0800491.

Submission:

Labcorp Genetics (formerly Invitae), Labcorp
Classification: Uncertain significance for Early-infantile DEE. Last evaluated: 2020-10-19. Review status: criteria provided, single submitter. Criteria: Invitae Variant Classification Sherloc (09022015). Collection method: clinical testing. Allele origin: germline.
Comment: This variant is not present in population databases (ExAC no frequency). This variant has not been reported in the literature in individuals with SCN8A-related conditions. Algorithms developed to predict the effect of missense changes on protein structure and function are either unavailable or do not agree on the potential impact of this missense change (SIFT: "Deleterious"; PolyPhen-2: "Benign"; Align-GVGD: "Class C0"). In summary, the available evidence is currently insufficient to determine the role of this variant in disease. Therefore, it has been classified as a Variant of Uncertain Significance. This sequence change replaces valine with isoleucine at codon 1238 of the SCN8A protein (p.Val1238Ile). The valine residue is highly conserved and there is a small physicochemical difference between valine and isoleucine.